The following is an entry in ClinVar:

NM_001134831.2(AHI1):c.472C>T (p.His158Tyr)

Gene: AHI1 (Abelson helper integration site 1; minus strand). Cytogenetic location: 6q23.3.
Variant type: single nucleotide variant.
Coding change: c.472C>T on transcript NM_001134831.2 (MANE Select); coding-DNA position 472, C replaced by T.
Protein change: p.His158Tyr; replaces histidine 158 with tyrosine.
Molecular consequence: missense variant.
Genome position (GRCh38, 1-based): chr6:135,466,091, G>A on the plus strand (C>T on the coding strand, the complement: AHI1 is on the minus strand). VCF-style: chr6-135466091-G-A. GRCh37 (hg19) VCF-style: chr6-135787229-G-A.
Other names: c.472C>T (NM_017651.4); c.472C>T, p.His158Tyr (NM_001134830.2, NM_001134832.2, NM_001350503.2 and 2 more transcripts); short protein forms H158Y.
Identifiers: ClinVar variation 1366693 (VCV001366693.9), dbSNP rs1468753761, ClinGen allele CA365751594.
Genomic context (GRCh38, chr6:135,466,091, plus strand): 5'-CTCTTCCCTCATTTGCCTTCTCACTTTTCTGATGATCAACGCCTGGCTGTGGCTTTGTAT[G>A]TGTTTTCTGGTGTGTAGAATCAACCTTATTCTCAGGAGTTTCCGGTTTCAGGTCTTGTGT-3'
Protein context (NP_001128303.1, residues 148-168): NKVDSTHQKT[His158Tyr]TKPQPGVDHQ

ClinVar aggregate classification (germline): Uncertain significance. Review status: criteria provided, multiple submitters, no conflicts (2 of 4 stars). 3 submissions from 3 submitters: Uncertain significance (3). Last evaluated 2024-04-15.

Conditions:
Inborn genetic diseases. Identifiers: MedGen C0950123, MeSH D030342.
Joubert syndrome. Also called: CEREBELLOPARENCHYMAL DISORDER IV; JOUBERT-BOLTSHAUSER SYNDROME; Familial aplasia of the vermis. Identifiers: Orphanet 475, MedGen C5979921, MONDO:0018772.
Joubert syndrome 3 (JBTS3). Also called: AHI1-related Ciliopathy. Identifiers: Orphanet 220493, MedGen C1837713, MONDO:0012078, OMIM 608629.

Allele frequency attached by ClinVar (database versions not stated): TOPMed below 0.00001.

Submissions (3):

Fulgent Genetics
Classification: Uncertain significance for Joubert syndrome 3. Last evaluated: 2024-04-15. Review status: criteria provided, single submitter. Criteria: ACMG Guidelines, 2015. Collection method: clinical testing. Allele origin: germline.

Ambry Genetics
Classification: Uncertain significance for Inborn genetic diseases. Last evaluated: 2023-02-28. Review status: criteria provided, single submitter. Criteria: Ambry Variant Classification Scheme 2023. Collection method: clinical testing. Allele origin: germline.

Labcorp Genetics (formerly Invitae), Labcorp
Classification: Uncertain significance for Joubert syndrome. Last evaluated: 2022-05-15. Review status: criteria provided, single submitter. Criteria: Invitae Variant Classification Sherloc (09022015). Collection method: clinical testing. Allele origin: germline.
Comment: This sequence change replaces histidine, which is basic and polar, with tyrosine, which is neutral and polar, at codon 158 of the AHI1 protein (p.His158Tyr). This variant is not present in population databases (gnomAD no frequency). This variant has not been reported in the literature in individuals affected with AHI1-related conditions. Advanced modeling of protein sequence and biophysical properties (such as structural, functional, and spatial information, amino acid conservation, physicochemical variation, residue mobility, and thermodynamic stability) performed at Invitae indicates that this missense variant is not expected to disrupt AHI1 protein function. In summary, the available evidence is currently insufficient to determine the role of this variant in disease. Therefore, it has been classified as a Variant of Uncertain Significance.